The following is an entry in ClinVar:

NM_138370.3(PKDCC):c.1361G>A (p.Arg454Gln)

Gene: PKDCC (protein kinase domain containing, cytoplasmic; plus strand). Cytogenetic location: 2p21.
Variant type: single nucleotide variant.
Coding change: c.1361G>A on transcript NM_138370.3 (MANE Select); coding-DNA position 1361, G replaced by A.
Protein change: p.Arg454Gln; replaces arginine 454 with glutamine.
Molecular consequence: missense variant.
Genome position (GRCh38, 1-based): chr2:42,057,359, G>A. VCF-style: chr2-42057359-G-A. GRCh37 (hg19) VCF-style: chr2-42284499-G-A.
Other names: c.1361G>A (NM_138370.2); short protein forms R454Q.
Identifiers: ClinVar variation 1353099 (VCV001353099.7), dbSNP rs751205624, ClinGen allele CA1628225.
Genomic context (GRCh38, chr2:42,057,359, plus strand): 5'-TCCTTTCAGTGTTCAACCTGGCTGAGGCTGTGGATGTCTGTGAGAGCCATGCCCAGTGTC[G>A]GGCCTTTGTGGTCACCAACCAGACCACCTGGACAGGTGAGCCAGTGGGAGAAGCCCTTCC-3'
Protein context (NP_612379.2, residues 444-464): VDVCESHAQC[Arg454Gln]AFVVTNQTTW

ClinVar aggregate classification (germline): Conflicting classifications of pathogenicity. Review status: criteria provided, conflicting classifications (1 of 4 stars). 2 submissions from 2 submitters: Uncertain significance (1); Likely benign (1). Last evaluated 2024-10-15.

Conditions:
Inborn genetic diseases. Identifiers: MedGen C0950123, MeSH D030342.

Allele frequency attached by ClinVar (database versions not stated): gnomAD 0.00001; gnomAD exomes 0.00001 and 0.00004; TOPMed 0.00001; ExAC 0.00003.
gnomAD v4.1: 19 of 1,614,160 alleles (0.0012%); highest among the groups gnomAD compares: Admixed American, 0.0067%; no homozygotes.

Submissions (2):

Labcorp Genetics (formerly Invitae), Labcorp
Classification: Uncertain significance. Last evaluated: 2024-10-15. Review status: criteria provided, single submitter. Criteria: Invitae Variant Classification Sherloc (09022015). Collection method: clinical testing. Allele origin: germline.
Comment: This sequence change replaces arginine, which is basic and polar, with glutamine, which is neutral and polar, at codon 454 of the PKDCC protein (p.Arg454Gln). This variant is present in population databases (rs751205624, gnomAD 0.01%). This variant has not been reported in the literature in individuals affected with PKDCC-related conditions. ClinVar contains an entry for this variant (Variation ID: 1353099). An algorithm developed to predict the effect of missense changes on protein structure and function outputs the following: PolyPhen-2: "Benign". The glutamine amino acid residue is found in multiple mammalian species, which suggests that this missense change does not adversely affect protein function. In summary, the available evidence is currently insufficient to determine the role of this variant in disease. Therefore, it has been classified as a Variant of Uncertain Significance.

Ambry Genetics
Classification: Likely benign for Inborn genetic diseases. Last evaluated: 2022-09-06. Review status: criteria provided, single submitter. Criteria: Ambry Variant Classification Scheme 2023. Collection method: clinical testing. Allele origin: germline.